The following is an entry in ClinVar:

NM_001367805.3(KIF23):c.1986T>A (p.Asp662Glu)

Gene: KIF23 (kinesin family member 23; plus strand). Cytogenetic location: 15q23.
Variant type: single nucleotide variant.
Coding change: c.1986T>A on transcript NM_001367805.3 (MANE Select); coding-DNA position 1986, T replaced by A.
Protein change: p.Asp662Glu; replaces aspartic acid 662 with glutamic acid.
Molecular consequence: missense variant. On other transcripts: non-coding transcript variant (2).
Genome position (GRCh38, 1-based): chr15:69,440,364, T>A. VCF-style: chr15-69440364-T-A. GRCh37 (hg19) VCF-style: chr15-69732703-T-A.
Other names: p.Asp648Glu; c.1614T>A, p.Asp538Glu (NM_001281301.2); c.1944T>A, p.Asp648Glu (NM_001367804.2, NM_004856.7, NM_138555.4); short protein forms D662E, D538E, D648E.
Identifiers: ClinVar variation 727951 (VCV000727951.8), dbSNP rs748182171, ClinGen allele CA7635301.

ClinVar aggregate classification (germline): Conflicting classifications of pathogenicity. Review status: criteria provided, conflicting classifications (1 of 4 stars). 2 submissions from 2 submitters: Uncertain significance (1); Likely benign (1). Last evaluated 2026-01-03.

Allele frequency attached by ClinVar (database versions not stated): gnomAD 0.00009; TOPMed 0.00019; gnomAD exomes 0.00022 and 0.00049; ExAC 0.00039.
gnomAD v4.1: 145 of 1,613,742 alleles (0.009%); highest among the groups gnomAD compares: Admixed American, 0.24%; no homozygotes.

Submissions (2):

Labcorp Genetics (formerly Invitae), Labcorp
Classification: Likely benign. Last evaluated: 2026-01-03. Review status: criteria provided, single submitter. Criteria: Invitae Variant Classification Sherloc (09022015). Collection method: clinical testing. Allele origin: germline.

Mayo Clinic Laboratories, Mayo Clinic
Classification: Uncertain significance. Last evaluated: 2024-12-05. Review status: criteria provided, single submitter. Criteria: ACMG Guidelines, 2015. Collection method: clinical testing. Allele origin: germline. Observed: 1 variant allele.
Comment: BP4